The following is an entry in ClinVar:

NM_213599.3(ANO5):c.1333-10A>C

Gene: ANO5 (anoctamin 5; plus strand). Cytogenetic location: 11p14.3.
Variant type: single nucleotide variant.
Coding change: c.1333-10A>C on transcript NM_213599.3 (MANE Select); 10 bases into the intron before coding-DNA position 1333, A replaced by C.
Molecular consequence: intron variant.
Genome position (GRCh38, 1-based): chr11:22,257,670, A>C. VCF-style: chr11-22257670-A-C. GRCh37 (hg19) VCF-style: chr11-22279216-A-C.
Other names: c.1333-10A>C (NM_213599.2); c.1330-10A>C (NM_001142649.2).
Identifiers: ClinVar variation 281697 (VCV000281697.6), dbSNP rs886042217, ClinGen allele CA10603949.

ClinVar aggregate classification (germline): Uncertain significance. Review status: criteria provided, multiple submitters, no conflicts (2 of 4 stars). 2 submissions from 2 submitters: Uncertain significance (2). Last evaluated 2024-12-17.

Allele frequency attached by ClinVar (database versions not stated): gnomAD exomes 0.00001.
gnomAD v4.1: 4 of 1,601,792 alleles (0.00025%); highest among the groups gnomAD compares: South Asian, 0.0033%; no homozygotes.

Submissions (2):

Athena Diagnostics
Classification: Uncertain significance. Last evaluated: 2024-12-17. Review status: criteria provided, single submitter. Criteria: Athena Diagnostics Criteria. Collection method: clinical testing. Allele origin: unknown.
Comment: Available data are insufficient to determine the clinical significance of the variant at this time. The frequency of this variant in the general population is uninformative in assessment of its pathogenicity. Computational tools yielded predictions that this variant is unlikely to have an effect on normal RNA splicing.

Eurofins Ntd Llc (ga)
Classification: Uncertain significance. Last evaluated: 2015-06-23. Review status: criteria provided, single submitter. Criteria: EGL Classification Definitions 2015. Collection method: clinical testing. Allele origin: germline. Observed: 1 variant allele, 1 heterozygote.